The following is an entry in ClinVar:

ClinVar aggregate classification (germline): Uncertain significance. Review status: criteria provided, multiple submitters, no conflicts (2 of 4 stars). 2 submissions from 2 submitters: Uncertain significance (2). Last evaluated 2024-03-07.

Conditions:
Intellectual disability. Also called: Intellectual developmental disorder; Intellectual functioning disability; intellectual disabilities. Identifiers: MedGen C3714756, MeSH D008607, MONDO:0001071, HP:0001249.

Allele frequency attached by ClinVar (database versions not stated): gnomAD exomes below 0.00001.
gnomAD v4.1: 3 of 1,610,282 alleles (0.00019%); highest among the groups gnomAD compares: South Asian, 0.0033%; no homozygotes.

Submissions (2):

Labcorp Genetics (formerly Invitae), Labcorp
Classification: Uncertain significance for Intellectual disability. Last evaluated: 2024-03-07. Review status: criteria provided, single submitter. Criteria: Invitae Variant Classification Sherloc (09022015). Collection method: clinical testing. Allele origin: germline.
Comment: This sequence change replaces proline, which is neutral and non-polar, with threonine, which is neutral and polar, at codon 400 of the GABRB2 protein (p.Pro400Thr). This variant is not present in population databases (gnomAD no frequency). This variant has not been reported in the literature in individuals affected with GABRB2-related conditions. ClinVar contains an entry for this variant (Variation ID: 1040761). Advanced modeling of protein sequence and biophysical properties (such as structural, functional, and spatial information, amino acid conservation, physicochemical variation, residue mobility, and thermodynamic stability) has been performed at Invitae for this missense variant, however the output from this modeling did not meet the statistical confidence thresholds required to predict the impact of this variant on GABRB2 protein function. In summary, the available evidence is currently insufficient to determine the role of this variant in disease. Therefore, it has been classified as a Variant of Uncertain Significance.

Blueprint Genetics
Classification: Uncertain significance. Last evaluated: 2021-05-26. Review status: criteria provided, single submitter. Criteria: ACMG Guidelines, 2015. Collection method: clinical testing. Allele origin: germline.

NM_001371727.1(GABRB2):c.1198C>A (p.Pro400Thr)

Gene: GABRB2 (gamma-aminobutyric acid type A receptor subunit beta2; minus strand). Cytogenetic location: 5q34.
Variant type: single nucleotide variant.
Coding change: c.1198C>A on transcript NM_001371727.1 (MANE Select); coding-DNA position 1198, C replaced by A.
Protein change: p.Pro400Thr; replaces proline 400 with threonine.
Molecular consequence: missense variant.
Genome position (GRCh38, 1-based): chr5:161,294,422, G>T on the plus strand (C>A on the coding strand, the complement: GABRB2 is on the minus strand). VCF-style: chr5-161294422-G-T. GRCh37 (hg19) VCF-style: chr5-160721429-G-T.
Other names: c.1084C>A, p.Pro362Thr (NM_000813.3); c.1198C>A, p.Pro400Thr (NM_021911.3); short protein forms P400T, P362T.
Identifiers: ClinVar variation 1040761 (VCV001040761.7), dbSNP rs1757325283, ClinGen allele CA362173657.
Genomic context (GRCh38, chr5:161,294,422, plus strand): 5'-CCTCAGATGTGGCCATTTCATTTTTTATCTCGAGAGTGCTCAGTAAGATGTTCTCATGGG[G>T]GTCCATCTGCAAGGGAAGAGAATCAAAAAGACAATCAGAACAATGAAGCTTTACAGGTGC-3'
Protein context (NP_001358656.1, residues 390-410): NYDFSLYTMD[Pro400Thr]HENILLSTLE